The following is an entry in ClinVar:

ClinVar aggregate classification (germline): Benign/Likely benign. Review status: criteria provided, multiple submitters, no conflicts (2 of 4 stars). 2 submissions from 2 submitters: Benign (1); Likely benign (1). Last evaluated 2024-12-31.

Conditions:
Lynch syndrome 5 (LYNCH5). Also called: Colorectal cancer, hereditary nonpolyposis, type 5; Hereditary non-polyposis colorectal cancer, type 5. Identifiers: Orphanet 144, MedGen C1833477, MONDO:0013710, OMIM 614350. Disease mechanism: loss of function.
Hereditary nonpolyposis colorectal neoplasms. Identifiers: MedGen C0009405, MeSH D003123.

gnomAD v4.1: 3 of 1,613,674 alleles (0.00019%); highest among the groups gnomAD compares: South Asian, 0.0022%; no homozygotes.

Submissions (2):

Myriad Genetics, Inc.
Classification: Benign for Lynch syndrome 5. Last evaluated: 2024-12-31. Review status: criteria provided, single submitter. Criteria: Myriad Autosomal Dominant, Autosomal Recessive and X-Linked Classification Criteria (2023). Collection method: clinical testing. Allele origin: unknown.
Comment: This variant is considered benign. This variant is a silent/synonymous amino acid change and it is not expected to impact splicing.

Labcorp Genetics (formerly Invitae), Labcorp
Classification: Likely benign for Hereditary nonpolyposis colorectal neoplasms. Last evaluated: 2022-03-04. Review status: criteria provided, single submitter. Criteria: Invitae Variant Classification Sherloc (09022015). Collection method: clinical testing. Allele origin: germline.

NM_000179.3(MSH6):c.2565T>A (p.Ile855=)

Gene: MSH6 (mutS homolog 6; plus strand). Cytogenetic location: 2p16.3.
Variant type: single nucleotide variant.
Coding change: c.2565T>A on transcript NM_000179.3 (MANE Select); coding-DNA position 2565, T replaced by A.
Protein change: p.Ile855=; no amino-acid change (isoleucine 855 retained).
Molecular consequence: synonymous variant.
Genome position (GRCh38, 1-based): chr2:47,800,548, T>A. VCF-style: chr2-47800548-T-A. GRCh37 (hg19) VCF-style: chr2-48027687-T-A.
Other names: c.2175T>A, p.Ile725= (NM_001281492.2); c.1659T>A, p.Ile553= (NM_001281493.2, NM_001281494.2).
Identifiers: ClinVar variation 1620335 (VCV001620335.9), dbSNP rs1064793456, ClinGen allele CA426121577.